The following is an entry in ClinVar:

ClinVar aggregate classification (germline): Uncertain significance. Review status: criteria provided, multiple submitters, no conflicts (2 of 4 stars). 4 submissions from 4 submitters: Uncertain significance (3). 1 of the submissions does not count toward it. Last evaluated 2022-02-05.

Conditions:
Cerebral creatine deficiency syndrome. Also called: Creatine deficiency syndromes. Identifiers: Orphanet 79172, MedGen C5244016, MONDO:0000456.
Deficiency of guanidinoacetate methyltransferase (CCDS2). Also called: GAMT DEFICIENCY; Guanidinoacetate Methyltransferase (GAMT) Deficiency; CEREBRAL CREATINE DEFICIENCY SYNDROME 2. Identifiers: Orphanet 382, MedGen C0574080, MONDO:0012999, OMIM 612736.

Allele frequency attached by ClinVar (database versions not stated): TOPMed 0.00002; gnomAD 0.00001; gnomAD exomes 0.00001.
gnomAD v4.1: 10 of 1,450,372 alleles (0.00069%); highest among the groups gnomAD compares: East Asian, 0.003%; no homozygotes.

Submissions (4):

Labcorp Genetics (formerly Invitae), Labcorp
Classification: Uncertain significance for Cerebral creatine deficiency syndrome. Last evaluated: 2022-02-05. Review status: criteria provided, single submitter. Criteria: Invitae Variant Classification Sherloc (09022015). Collection method: clinical testing. Allele origin: germline.
Comment: This sequence change replaces alanine, which is neutral and non-polar, with threonine, which is neutral and polar, at codon 22 of the GAMT protein (p.Ala22Thr). This variant is not present in population databases (gnomAD no frequency). This variant has not been reported in the literature in individuals affected with GAMT-related conditions. ClinVar contains an entry for this variant (Variation ID: 328353). Algorithms developed to predict the effect of missense changes on protein structure and function (SIFT, PolyPhen-2, Align-GVGD) all suggest that this variant is likely to be tolerated. In summary, the available evidence is currently insufficient to determine the role of this variant in disease. Therefore, it has been classified as a Variant of Uncertain Significance.

GeneDx
Classification: Uncertain significance. Last evaluated: 2021-08-30. Review status: criteria provided, single submitter. Criteria: GeneDx Variant Classification Process June 2021. Collection method: clinical testing. Allele origin: germline. Affected: yes.
Comment: Has not been previously published as pathogenic or benign to our knowledge; In silico analysis supports that this missense variant does not alter protein structure/function

Illumina Laboratory Services, Illumina
Classification: Uncertain significance for Deficiency of guanidinoacetate methyltransferase. Last evaluated: 2018-01-13. Review status: criteria provided, single submitter. Criteria: ICSL Variant Classification Criteria 13 December 2019. Collection method: clinical testing. Allele origin: germline.

Natera, Inc.
Classification: Uncertain significance for Guanidinoacetate methyltransferase deficiency. Last evaluated: 2020-12-17. Review status: no assertion criteria provided. Collection method: clinical testing. Allele origin: germline. Not counted in ClinVar's aggregate classification.

NM_000156.6(GAMT):c.64G>A (p.Ala22Thr)

Genes: GAMT (guanidinoacetate N-methyltransferase; minus strand), LOC130062945 (ATAC-STARR-seq lymphoblastoid silent region 9707; plus strand). Cytogenetic location: 19p13.3.
Variant type: single nucleotide variant.
Coding change: c.64G>A on transcript NM_000156.6 (MANE Select); coding-DNA position 64, G replaced by A.
Protein change: p.Ala22Thr; replaces alanine 22 with threonine.
Molecular consequence: missense variant.
Genome position (GRCh38, 1-based): chr19:1,401,413, C>T on the plus strand (G>A on the coding strand, the complement: GAMT is on the minus strand). VCF-style: chr19-1401413-C-T. GRCh37 (hg19) VCF-style: chr19-1401412-C-T.
Other names: c.64G>A, p.Ala22Thr (NM_138924.3); short protein forms A22T.
Identifiers: ClinVar variation 328353 (VCV000328353.14), dbSNP rs886054248, ClinGen allele CA10651555.